The following is an entry in ClinVar:

NM_006593.4(TBR1):c.637C>T (p.Leu213Phe)

Gene: TBR1 (T-box brain transcription factor 1; plus strand). Cytogenetic location: 2q24.2.
Variant type: single nucleotide variant.
Coding change: c.637C>T on transcript NM_006593.4 (MANE Select); coding-DNA position 637, C replaced by T.
Protein change: p.Leu213Phe; replaces leucine 213 with phenylalanine.
Molecular consequence: missense variant.
Genome position (GRCh38, 1-based): chr2:161,417,047, C>T. VCF-style: chr2-161417047-C-T. GRCh37 (hg19) VCF-style: chr2-162273558-C-T.
Other names: short protein forms L213F.
Identifiers: ClinVar variation 3368296 (VCV003368296.1).

ClinVar aggregate classification (germline): Uncertain significance (1 of 4 stars; one submission).

Submission:

GeneDx
Classification: Uncertain significance. Last evaluated: 2024-01-23. Review status: criteria provided, single submitter. Criteria: GeneDx Variant Classification Process June 2021. Collection method: clinical testing. Allele origin: germline. Affected: yes.
Comment: Not observed at significant frequency in large population cohorts (gnomAD); In silico analysis supports that this missense variant has a deleterious effect on protein structure/function; Has not been previously published as pathogenic or benign to our knowledge